The following is an entry in ClinVar:

NM_000203.5(IDUA):c.546G>C (p.Glu182Asp)

Gene: IDUA (alpha-L-iduronidase; plus strand). Cytogenetic location: 4p16.3.
Variant type: single nucleotide variant.
Coding change: c.546G>C on transcript NM_000203.5 (MANE Select); coding-DNA position 546, G replaced by C.
Protein change: p.Glu182Asp; replaces glutamic acid 182 with aspartic acid.
Molecular consequence: missense variant. On other transcripts: non-coding transcript variant (1).
Genome position (GRCh38, 1-based): chr4:1,001,520, G>C. VCF-style: chr4-1001520-G-C. GRCh37 (hg19) VCF-style: chr4-995308-G-C.
Other names: c.150G>C, p.Glu50Asp (NM_001363576.1); short protein forms E182D, E50D.
Identifiers: ClinVar variation 4069690 (VCV004069690.2).

ClinVar aggregate classification (germline): Likely pathogenic (1 of 4 stars; one submission).

Conditions:
Mucopolysaccharidosis type 1. Also called: IDUA deficiency; MPS I; Mucopolysaccharidosis Type I. Identifiers: Orphanet 579, MedGen C0023786, MONDO:0001586.

Submission:

Natera, Inc.
Classification: Likely pathogenic for Mucopolysaccharidosis type I. Last evaluated: 2025-01-22. Review status: criteria provided, single submitter. Criteria: Natera Variant Classification Schema (03/2026). Collection method: clinical testing. Allele origin: germline.
Comment: The c.546G>C variant in IDUA is a missense variant predicted to cause substitution of glutamic acid to aspartic acid at amino acid 182. This variant is rare in the general population with a frequency below the threshold expected for the associated phenotype(s). This variant has been observed in one or more individuals affected with the associated recessive disease, as either homozygous or compound heterozygous with a second variant (PMID: 21480867). A different variant at the same position has been determined to be Pathogenic or Likely Pathogenic. Computational prediction algorithms indicate this variant is likely to affect gene or protein function. Given the available evidence, this variant is classified as Likely Pathogenic.

Literature cited by the submitters: PubMed 21480867.